The following is an entry in ClinVar:

NM_001909.5(CTSD):c.1222G>A (p.Glu408Lys)

Gene: CTSD (cathepsin D; minus strand). Cytogenetic location: 11p15.5.
Variant type: single nucleotide variant.
Coding change: c.1222G>A on transcript NM_001909.5 (MANE Select); coding-DNA position 1222, G replaced by A.
Protein change: p.Glu408Lys; replaces glutamic acid 408 with lysine.
Molecular consequence: missense variant.
Genome position (GRCh38, 1-based): chr11:1,753,520, C>T on the plus strand (G>A on the coding strand, the complement: CTSD is on the minus strand). VCF-style: chr11-1753520-C-T. GRCh37 (hg19) VCF-style: chr11-1774750-C-T.
Other names: short protein forms E408K.
Identifiers: ClinVar variation 880423 (VCV000880423.9), dbSNP rs554062876, ClinGen allele CA5813868.

ClinVar aggregate classification (germline): Conflicting classifications of pathogenicity. Review status: criteria provided, conflicting classifications (1 of 4 stars). 4 submissions from 4 submitters: Uncertain significance (3); Likely benign (1). Last evaluated 2026-03-31.

Conditions:
Neuronal ceroid lipofuscinosis. Also called: Neuronal Ceroid Lipofuscinoses. Identifiers: Orphanet 216, Orphanet 79263, MedGen C0027877, MONDO:0016295. Disease mechanism: loss of function.
Inborn genetic diseases. Identifiers: MedGen C0950123, MeSH D030342.
Neuronal ceroid lipofuscinosis 10 (CLN10). Also called: CTSD-Related Neuronal Ceroid-Lipofuscinosis; NEURONAL CEROID LIPOFUSCINOSIS DUE TO CATHEPSIN D DEFICIENCY. Identifiers: Orphanet 228337, MedGen C1864669, MONDO:0012414, OMIM 610127.

Allele frequency attached by ClinVar (database versions not stated): gnomAD 0.00001.
gnomAD v4.1: 17 of 1,612,938 alleles (0.0011%); highest among the groups gnomAD compares: East Asian, 0.0045%; no homozygotes.

Submissions (4):

Ambry Genetics
Classification: Likely benign for Inborn genetic diseases. Last evaluated: 2026-03-31. Review status: criteria provided, single submitter. Criteria: Ambry Variant Classification Scheme 2023. Collection method: clinical testing. Allele origin: germline.

GeneDx
Classification: Uncertain significance. Last evaluated: 2024-10-08. Review status: criteria provided, single submitter. Criteria: GeneDx Variant Classification Process June 2021. Collection method: clinical testing. Allele origin: germline. Affected: yes.
Comment: Not observed at significant frequency in large population cohorts (gnomAD); In silico analysis indicates that this missense variant does not alter protein structure/function; Has not been previously published as pathogenic or benign to our knowledge

Labcorp Genetics (formerly Invitae), Labcorp
Classification: Uncertain significance for Neuronal ceroid lipofuscinosis. Last evaluated: 2022-08-23. Review status: criteria provided, single submitter. Criteria: Invitae Variant Classification Sherloc (09022015). Collection method: clinical testing. Allele origin: germline.
Comment: This sequence change replaces glutamic acid, which is acidic and polar, with lysine, which is basic and polar, at codon 408 of the CTSD protein (p.Glu408Lys). This variant is present in population databases (rs554062876, gnomAD 0.006%). This variant has not been reported in the literature in individuals affected with CTSD-related conditions. ClinVar contains an entry for this variant (Variation ID: 880423). Algorithms developed to predict the effect of missense changes on protein structure and function output the following: SIFT: "Tolerated"; PolyPhen-2: "Benign"; Align-GVGD: "Class C0". The lysine amino acid residue is found in multiple mammalian species, which suggests that this missense change does not adversely affect protein function. In summary, the available evidence is currently insufficient to determine the role of this variant in disease. Therefore, it has been classified as a Variant of Uncertain Significance.

Illumina Laboratory Services, Illumina
Classification: Uncertain significance for Neuronal ceroid lipofuscinosis 10. Last evaluated: 2018-01-12. Review status: criteria provided, single submitter. Criteria: ICSL Variant Classification Criteria 13 December 2019. Collection method: clinical testing. Allele origin: germline.